The following is an entry in ClinVar:

NM_001999.4(FBN2):c.3335A>G (p.Asn1112Ser)

Gene: FBN2 (fibrillin 2; minus strand). Cytogenetic location: 5q23.3.
Variant type: single nucleotide variant.
Coding change: c.3335A>G on transcript NM_001999.4 (MANE Select); coding-DNA position 3335, A replaced by G.
Protein change: p.Asn1112Ser; replaces asparagine 1112 with serine.
Molecular consequence: missense variant.
Genome position (GRCh38, 1-based): chr5:128,344,393, T>C on the plus strand (A>G on the coding strand, the complement: FBN2 is on the minus strand). VCF-style: chr5-128344393-T-C. GRCh37 (hg19) VCF-style: chr5-127680085-T-C.
Other names: short protein forms N1112S.
Identifiers: ClinVar variation 2956390 (VCV002956390.3), dbSNP rs1301097230, ClinGen allele CA360761663.

ClinVar aggregate classification (germline): Uncertain significance (1 of 4 stars; one submission).

Conditions:
Congenital contractural arachnodactyly (CCA). Also called: BEALS SYNDROME; Arthrogryposis, distal, type 9; Beals-Hecht syndrome. Identifiers: Orphanet 115, MedGen C0220668, MONDO:0007363, OMIM 121050.

Submission:

Labcorp Genetics (formerly Invitae), Labcorp
Classification: Uncertain significance for Congenital contractural arachnodactyly. Last evaluated: 2023-09-10. Review status: criteria provided, single submitter. Criteria: Invitae Variant Classification Sherloc (09022015). Collection method: clinical testing. Allele origin: germline.
Comment: This sequence change replaces asparagine, which is neutral and polar, with serine, which is neutral and polar, at codon 1112 of the FBN2 protein (p.Asn1112Ser). This variant has not been reported in the literature in individuals affected with FBN2-related conditions. In summary, the available evidence is currently insufficient to determine the role of this variant in disease. Therefore, it has been classified as a Variant of Uncertain Significance. Advanced modeling of protein sequence and biophysical properties (such as structural, functional, and spatial information, amino acid conservation, physicochemical variation, residue mobility, and thermodynamic stability) performed at Invitae indicates that this missense variant is not expected to disrupt FBN2 protein function. This variant is not present in population databases (gnomAD no frequency).